The following is an entry in ClinVar:

ClinVar aggregate classification (germline): Pathogenic (1 of 4 stars; one submission).

Conditions:
Neurodevelopmental disorder with hypotonia, stereotypic hand movements, and impaired language. Also called: Intellectual disability, autosomal dominant 20. Identifiers: Orphanet 228384, Orphanet 664410, MedGen C3150700, MONDO:0013266, OMIM 613443.

Submission:

Labcorp Genetics (formerly Invitae), Labcorp
Classification: Pathogenic for Neurodevelopmental disorder with hypotonia, stereotypic hand movements, and impaired language. Last evaluated: 2023-12-18. Review status: criteria provided, single submitter. Criteria: Invitae Variant Classification Sherloc (09022015). Collection method: clinical testing. Allele origin: germline.
Comment: This sequence change affects an acceptor splice site in intron 4 of the MEF2C gene. It is expected to disrupt RNA splicing. Variants that disrupt the donor or acceptor splice site typically lead to a loss of protein function (PMID: 16199547), and loss-of-function variants in MEF2C are known to be pathogenic (PMID: 20513142). This variant is not present in population databases (gnomAD no frequency). Disruption of this splice site has been observed in individual(s) with MEF2C-related conditions (PMID: 30376817). In at least one individual the variant was observed to be de novo. Algorithms developed to predict the effect of sequence changes on RNA splicing suggest that this variant may disrupt the consensus splice site. For these reasons, this variant has been classified as Pathogenic.

Literature cited by the submitters: PubMed 16199547; PubMed 20513142; PubMed 30376817.

NM_002397.5(MEF2C):c.403-1G>A

Gene: MEF2C (myocyte enhancer factor 2C; minus strand). Cytogenetic location: 5q14.3.
Variant type: single nucleotide variant.
Coding change: c.403-1G>A on transcript NM_002397.5 (MANE Select); the canonical splice acceptor site of the intron before coding-DNA position 403, G replaced by A.
Molecular consequence: splice acceptor variant.
Genome position (GRCh38, 1-based): chr5:88,752,044, C>T on the plus strand (G>A on the coding strand, the complement: MEF2C is on the minus strand). VCF-style: chr5-88752044-C-T. GRCh37 (hg19) VCF-style: chr5-88047861-C-T.
Other names: c.403-1G>A (NM_001364349.2, NM_001364339.2, NM_001364347.2 and 18 more transcripts); c.259-1G>A (NM_001364355.2, NM_001193349.3, NM_001193348.1 and 3 more transcripts); c.-24-1G>A (NM_001364357.2); c.25-1G>A (NM_001364356.2, NM_001364353.2); c.397-1G>A (NM_001131005.2, NM_001364352.2, NM_001364343.2); c.457-1G>A (NM_001193347.1, NM_001364338.2).
Identifiers: ClinVar variation 2743081 (VCV002743081.3), dbSNP rs1561824498, ClinGen allele CA360424065.